The following is an entry in ClinVar:

ClinVar aggregate classification (germline): Likely benign (1 of 4 stars; one submission).

gnomAD v4.1: 44 of 1,601,218 alleles (0.0027%); highest among the groups gnomAD compares: African/African-American, 0.047%; no homozygotes.

Submission:

Mayo Clinic Laboratories, Mayo Clinic
Classification: Likely benign. Last evaluated: 2025-07-31. Review status: criteria provided, single submitter. Criteria: ACMG Guidelines, 2015. Collection method: clinical testing. Allele origin: germline. Observed: 1 variant allele.
Comment: BP4, BP7

NM_016532.4(INPP5K):c.45-3C>T

Gene: INPP5K (inositol polyphosphate-5-phosphatase K; minus strand). Cytogenetic location: 17p13.3.
Variant type: single nucleotide variant.
Coding change: c.45-3C>T on transcript NM_016532.4 (MANE Select); 3 bases into the intron before coding-DNA position 45, C replaced by T.
Molecular consequence: intron variant.
Genome position (GRCh38, 1-based): chr17:1,513,982, G>A on the plus strand (C>T on the coding strand, the complement: INPP5K is on the minus strand). VCF-style: chr17-1513982-G-A. GRCh37 (hg19) VCF-style: chr17-1417276-G-A.
Other names: p.?; c.-184-3C>T (NM_130766.3, NM_001135642.2).
Identifiers: ClinVar variation 4684169 (VCV004684169.1).
Genomic context (GRCh38, chr17:1,513,982, plus strand): 5'-GTCACTGAGATCTAGAGGGGGCGCTGCCGAAGCCACGTTCCAAGTCACGACGTGTATGCT[G>A]CGGAAGGGATGCAGAGGGAAGTCATGGAGGAAGGAGGATAAGATAGTGCACGGGGTCGGC-3'